The following is an entry in ClinVar:

NM_174936.4(PCSK9):c.1816C>G (p.Leu606Val)

Gene: PCSK9 (proprotein convertase subtilisin/kexin type 9; plus strand). Cytogenetic location: 1p32.3.
Variant type: single nucleotide variant.
Coding change: c.1816C>G on transcript NM_174936.4 (MANE Select); coding-DNA position 1816, C replaced by G.
Protein change: p.Leu606Val; replaces leucine 606 with valine.
Molecular consequence: missense variant. On other transcripts: non-coding transcript variant (8).
Genome position (GRCh38, 1-based): chr1:55,061,509, C>G. VCF-style: chr1-55061509-C-G. GRCh37 (hg19) VCF-style: chr1-55527182-C-G.
Other names: c.1939C>G, p.Leu647Val (NM_001407240.1); c.1858C>G, p.Leu620Val (NM_001407241.1); c.1819C>G, p.Leu607Val (NM_001407242.1); c.1759C>G, p.Leu587Val (NM_001407243.1); c.1642C>G, p.Leu548Val (NM_001407244.1); c.1624C>G, p.Leu542Val (NM_001407245.1); c.1441C>G, p.Leu481Val (NM_001407246.1); c.1315C>G, p.Leu439Val (NM_001407247.1); short protein forms L481V, L587V, L647V, L548V, L606V, L607V, L620V, L439V.
Identifiers: ClinVar variation 4844030 (VCV004844030.1).

ClinVar aggregate classification (germline): Uncertain significance (1 of 4 stars; one submission).

Conditions:
Cardiovascular phenotype. Identifiers: MedGen CN230736.

gnomAD v4.1: 1 of 1,605,238 alleles (0.000062%); highest among the groups gnomAD compares: South Asian, 0.0011%; no homozygotes.

Submission:

Ambry Genetics
Classification: Uncertain significance for Cardiovascular phenotype. Last evaluated: 2025-12-30. Review status: criteria provided, single submitter. Criteria: Ambry Variant Classification Scheme 2023. Collection method: clinical testing. Allele origin: germline.
Comment: The p.L606V variant (also known as c.1816C>G), located in coding exon 11 of the PCSK9 gene, results from a C to G substitution at nucleotide position 1816. The leucine at codon 606 is replaced by valine, an amino acid with highly similar properties. This amino acid position is conserved. In addition, this alteration is predicted to be tolerated by in silico analysis. Based on the available evidence, the clinical significance of this variant remains unclear.